The following is an entry in ClinVar:

NM_015102.5(NPHP4):c.242_245del (p.Pro81fs)

Gene: NPHP4 (nephrocystin 4; minus strand). Cytogenetic location: 1p36.31.
Variant type: Deletion.
Coding change: c.242_245del on transcript NM_015102.5 (MANE Select); coding-DNA positions 242 to 245, 4 bases deleted (CGAC; older notation c.242_245delCGAC).
Protein change: p.Pro81fs; shifts the reading frame from proline 81.
Molecular consequence: frameshift variant. On other transcripts: 5 prime UTR variant (1), non-coding transcript variant (1), intron variant (1).
Genome position (GRCh38, 1-based): chr1:5,978,304-5,978,307, GTCG deleted on the plus strand (CGAC on the coding strand, the reverse complement: NPHP4 is on the minus strand); deleting any 4 consecutive bases within chr1:5,978,304-5,978,308 gives the same sequence; the c. name uses the placement nearest the transcript's 3' end. VCF-style (leftmost placement, unchanged base first): chr1-5978303-CGTCG-C. GRCh37 (hg19) VCF-style: chr1-6038363-CGTCG-C.
Other names: c.-988_-985del (NM_001291593.2); c.-1087-9048_-1087-9045del (NM_001291594.2); short protein forms P81fs.
Identifiers: ClinVar variation 5006928 (VCV005006928.2).

ClinVar aggregate classification (germline): Likely pathogenic (1 of 4 stars; one submission).

Conditions:
Senior-Loken syndrome 4 (SLSN4). Identifiers: Orphanet 3156, MedGen C1846979, MONDO:0011756, OMIM 606996.
Nephronophthisis 4 (NPHP4). Also called: NEPHRONOPHTHISIS 4, JUVENILE. Identifiers: Orphanet 655, MedGen C1847013, MONDO:0011752, OMIM 606966.

Submission:

Juno Genomics, Hangzhou Juno Genomics, Inc
Classification: Likely pathogenic for Nephronophthisis 4; Senior-Loken syndrome 4. Review status: criteria provided, single submitter. Criteria: ACMG Guidelines, 2015. Collection method: clinical testing. Allele origin: germline.
Comment: Null variant in a gene where loss of function (LOF) is a known mechanism of disease.;Absent from controls (or at extremely low frequency if recessive) in Genome Aggregation Database.